The following is an entry in ClinVar:

NM_001368882.1(COL13A1):c.133T>A (p.Cys45Ser)

Gene: COL13A1 (collagen type XIII alpha 1 chain; plus strand). Cytogenetic location: 10q22.1.
Variant type: single nucleotide variant.
Coding change: c.133T>A on transcript NM_001368882.1 (MANE Select); coding-DNA position 133, T replaced by A.
Protein change: p.Cys45Ser; replaces cysteine 45 with serine.
Molecular consequence: missense variant. On other transcripts: 5 prime UTR variant (1).
Genome position (GRCh38, 1-based): chr10:69,802,556, T>A. VCF-style: chr10-69802556-T-A. GRCh37 (hg19) VCF-style: chr10-71562312-T-A.
Other names: c.133T>A, p.Cys45Ser (NM_001320951.2, NM_001368883.1, NM_001368884.1 and 11 more transcripts); c.-521T>A (NM_001368886.1); short protein forms C45S.
Identifiers: ClinVar variation 1381875 (VCV001381875.6), dbSNP rs2131981633, ClinGen allele CA376961622.
Genomic context (GRCh38, chr10:69,802,556, plus strand): 5'-ACGGTGGCTCTGGTGGCGGCGCGGGCGGAGCGCGGCGCACGGCTGCCGAGTCCAGGGTCG[T>A]GCGGGCTGCTGACGCTGGCCCTCTGCTCGCTGGCACTCAGCCTGCTCGCCCACTTTCGGA-3'
Protein context (NP_001355811.1, residues 35-55): RGARLPSPGS[Cys45Ser]GLLTLALCSL

ClinVar aggregate classification (germline): Uncertain significance (1 of 4 stars; one submission).

Submission:

Labcorp Genetics (formerly Invitae), Labcorp
Classification: Uncertain significance. Last evaluated: 2022-03-18. Review status: criteria provided, single submitter. Criteria: Invitae Variant Classification Sherloc (09022015). Collection method: clinical testing. Allele origin: germline.
Comment: Algorithms developed to predict the effect of missense changes on protein structure and function are either unavailable or do not agree on the potential impact of this missense change (SIFT: "Deleterious"; PolyPhen-2: "Probably Damaging"; Align-GVGD: "Class C0"). This sequence change replaces cysteine, which is neutral and slightly polar, with serine, which is neutral and polar, at codon 45 of the COL13A1 protein (p.Cys45Ser). This variant is not present in population databases (gnomAD no frequency). This variant has not been reported in the literature in individuals affected with COL13A1-related conditions. In summary, the available evidence is currently insufficient to determine the role of this variant in disease. Therefore, it has been classified as a Variant of Uncertain Significance.